The following is an entry in ClinVar:

ClinVar aggregate classification (germline): Uncertain significance (1 of 4 stars; one submission).

Conditions:
RYR1-related disorder. Also called: RYR1-related condition; RYR1-related disorders. Identifiers: MedGen CN239331.

Submission:

Labcorp Genetics (formerly Invitae), Labcorp
Classification: Uncertain significance for RYR1-related disorder. Last evaluated: 2021-09-02. Review status: criteria provided, single submitter. Criteria: Invitae Variant Classification Sherloc (09022015). Collection method: clinical testing. Allele origin: germline.
Comment: This variant has not been reported in the literature in individuals affected with RYR1-related conditions. In summary, the available evidence is currently insufficient to determine the role of this variant in disease. Therefore, it has been classified as a Variant of Uncertain Significance. Advanced modeling of protein sequence and biophysical properties (such as structural, functional, and spatial information, amino acid conservation, physicochemical variation, residue mobility, and thermodynamic stability) performed at Invitae indicates that this missense variant is expected to disrupt RYR1 protein function. This variant is not present in population databases (ExAC no frequency). This sequence change replaces histidine with tyrosine at codon 3146 of the RYR1 protein (p.His3146Tyr). The histidine residue is highly conserved and there is a moderate physicochemical difference between histidine and tyrosine.

NM_000540.3(RYR1):c.9436C>T (p.His3146Tyr)

Gene: RYR1 (ryanodine receptor 1; plus strand). Cytogenetic location: 19q13.2.
Variant type: single nucleotide variant.
Coding change: c.9436C>T on transcript NM_000540.3 (MANE Select); coding-DNA position 9436, C replaced by T.
Protein change: p.His3146Tyr; replaces histidine 3146 with tyrosine.
Molecular consequence: missense variant.
Genome position (GRCh38, 1-based): chr19:38,512,447, C>T. VCF-style: chr19-38512447-C-T. GRCh37 (hg19) VCF-style: chr19-39003087-C-T.
Other names: c.9436C>T, p.His3146Tyr (NM_001042723.2); short protein forms H3146Y.
Identifiers: ClinVar variation 1379161 (VCV001379161.6), dbSNP rs2145663617, ClinGen allele CA405687508.